The following is an entry in ClinVar:

ClinVar aggregate classification (germline): Likely benign. Review status: criteria provided, multiple submitters, no conflicts (2 of 4 stars). 3 submissions from 3 submitters: Likely benign (2). 1 of the submissions does not count toward it. Last evaluated 2025-11-03.

Conditions:
TBK1-related disorder. Also called: TBK1-related condition.
Frontotemporal dementia and/or amyotrophic lateral sclerosis 4. Also called: FTDALS4. Identifiers: Orphanet 275872, MedGen C4225325, MONDO:0014641, OMIM 616439.
Autoinflammation with arthritis and vasculitis. Identifiers: MedGen C5935634, MONDO:0971173, OMIM 620880.
Encephalopathy, acute, infection-induced (herpes-specific), susceptibility to, 8. Also called: HERPES SIMPLEX ENCEPHALITIS, SUSCEPTIBILITY TO, 6. Identifiers: MedGen C4693542, MONDO:0054754, OMIM 617900.

Allele frequency attached by ClinVar (database versions not stated): gnomAD exomes 0.00008; ExAC 0.00009; gnomAD 0.00024; TOPMed 0.00032; 1000 Genomes Project 0.00040; ESP Exome Variant Server 0.00046; 1000 Genomes Project 30x 0.00047.
gnomAD v4.1: 114 of 1,607,382 alleles (0.0071%); highest among the groups gnomAD compares: African/African-American, 0.11%; 1 homozygote.

Submissions (3):

Labcorp Genetics (formerly Invitae), Labcorp
Classification: Likely benign for Frontotemporal dementia and/or amyotrophic lateral sclerosis 4. Last evaluated: 2025-11-03. Review status: criteria provided, single submitter. Criteria: Invitae Variant Classification Sherloc (09022015). Collection method: clinical testing. Allele origin: germline.

Department of Pathology and Laboratory Medicine, Sinai Health System
Classification: Likely benign for Frontotemporal dementia and/or amyotrophic lateral sclerosis 4; Encephalopathy, acute, infection-induced (herpes-specific), susceptibility to, 8; Autoinflammation with arthritis and vasculitis. Last evaluated: 2021-07-30. Review status: criteria provided, single submitter. Criteria: ACMG Guidelines, 2015. Collection method: research. Allele origin: germline.

PreventionGenetics, part of Exact Sciences
Classification: Likely benign for TBK1-related condition. Last evaluated: 2023-06-23. Review status: no assertion criteria provided. Collection method: clinical testing. Allele origin: germline. Not counted in ClinVar's aggregate classification.
Comment: This variant is classified as likely benign based on ACMG/AMP sequence variant interpretation guidelines (Richards et al. 2015 PMID: 25741868, with internal and published modifications).

NM_013254.4(TBK1):c.812G>A (p.Arg271Gln)

Gene: TBK1 (TANK binding kinase 1; plus strand). Cytogenetic location: 12q14.2.
Variant type: single nucleotide variant.
Coding change: c.812G>A on transcript NM_013254.4 (MANE Select); coding-DNA position 812, G replaced by A.
Protein change: p.Arg271Gln; replaces arginine 271 with glutamine.
Molecular consequence: missense variant.
Genome position (GRCh38, 1-based): chr12:64,480,122, G>A. VCF-style: chr12-64480122-G-A. GRCh37 (hg19) VCF-style: chr12-64873902-G-A.
Other names: c.812G>A, p.Arg271Gln (LRG_1306t1); short protein forms R271Q.
Identifiers: ClinVar variation 542553 (VCV000542553.11), dbSNP rs56196591, ClinGen allele CA6668900.